The following is an entry in ClinVar:

ClinVar aggregate classification (germline): Likely benign (1 of 4 stars; one submission).

Allele frequency attached by ClinVar (database versions not stated): 1000 Genomes Project 30x 0.00609; 1000 Genomes Project 0.01498.

Submission:

CeGaT Center for Human Genetics Tuebingen
Classification: Likely benign. Last evaluated: 2024-02-01. Review status: criteria provided, single submitter. Criteria: CeGaT Center For Human Genetics Tuebingen Variant Classification Criteria Version 2. Collection method: clinical testing. Allele origin: germline. Affected: yes. Observed: 2 variant alleles.
Comment: SPATA31A6: BS2

NM_001145196.1(SPATA31A6):c.3643A>G (p.Lys1215Glu)

Gene: SPATA31A6 (SPATA31 subfamily A member 6; plus strand). Cytogenetic location: 9p11.2.
Variant type: single nucleotide variant.
Coding change: c.3643A>G on transcript NM_001145196.1 (MANE Select); coding-DNA position 3643, A replaced by G.
Protein change: p.Lys1215Glu; replaces lysine 1215 with glutamic acid.
Molecular consequence: missense variant.
Genome position (GRCh38, 1-based): chr9:42,189,345, A>G. VCF-style: chr9-42189345-A-G. GRCh37 (hg19) VCF-style: chr9-43625044-T-C.
Other names: short protein forms K1215E.
Identifiers: ClinVar variation 3025113 (VCV003025113.22), dbSNP rs2605683, ClinGen allele CA5067297.